The following is an entry in ClinVar:

ClinVar aggregate classification (germline): Uncertain significance. Review status: criteria provided, multiple submitters, no conflicts (2 of 4 stars). 3 submissions from 3 submitters: Uncertain significance (3). Last evaluated 2025-10-06.

Conditions:
Progressive familial heart block type IB (PFHB1B). Identifiers: Orphanet 871, MedGen C1970298, MONDO:0011474, OMIM 604559.
Primary dilated cardiomyopathy (DCM). Also called: Dilated Cardiomyopathy. Identifiers: Orphanet 217604, MedGen C0007193, MeSH D002311, MONDO:0005021, HP:0001644. Inheritance: Various modes of inheritance.

Allele frequency attached by ClinVar (database versions not stated): gnomAD 0.00001.

Submissions (3):

Labcorp Genetics (formerly Invitae), Labcorp
Classification: Uncertain significance for Progressive familial heart block type IB. Last evaluated: 2025-10-06. Review status: criteria provided, single submitter. Criteria: Invitae Variant Classification Sherloc (09022015). Collection method: clinical testing. Allele origin: germline.
Comment: This sequence change replaces arginine, which is basic and polar, with cysteine, which is neutral and slightly polar, at codon 113 of the TRPM4 protein (p.Arg113Cys). This variant is present in population databases (rs760925558, gnomAD 0.0009%). This variant has not been reported in the literature in individuals affected with TRPM4-related conditions. ClinVar contains an entry for this variant (Variation ID: 2505325). An algorithm developed to predict the effect of missense changes on protein structure and function (PolyPhen-2) suggests that this variant is likely to be disruptive. In summary, the available evidence is currently insufficient to determine the role of this variant in disease. Therefore, it has been classified as a Variant of Uncertain Significance.

Women's Health and Genetics/Laboratory Corporation of America, LabCorp
Classification: Uncertain significance. Last evaluated: 2025-01-31. Review status: criteria provided, single submitter. Criteria: LabCorp Variant Classification Summary - May 2015. Collection method: clinical testing. Allele origin: germline.
Comment: Variant summary: TRPM4 c.337C>T (p.Arg113Cys) results in a non-conservative amino acid change located in the SLOG in TRPM domain (IPR041491) of the encoded protein sequence. Four of five in-silico tools predict a damaging effect of the variant on protein function. The variant allele was found at a frequency of 8e-06 in 251182 control chromosomes. The available data on variant occurrences in the general population are insufficient to allow any conclusion about variant significance. To our knowledge, no occurrence of c.337C>T in individuals affected with TRPM4-related conditions and no experimental evidence demonstrating its impact on protein function have been reported. ClinVar contains an entry for this variant (Variation ID: 2505325). Based on the evidence outlined above, the variant was classified as uncertain significance.

Clinical Center for Gene Diagnosis and Therapy, Department of Cardiovascular Surgery, The Second Xiangya Hospital of Central South University
Classification: Uncertain significance for Primary dilated cardiomyopathy. Last evaluated: 2023-06-01. Review status: criteria provided, single submitter. Criteria: ACMG Guidelines, 2015. Collection method: clinical testing. Allele origin: germline. Affected: yes.

NM_017636.4(TRPM4):c.337C>T (p.Arg113Cys)

Gene: TRPM4 (transient receptor potential cation channel subfamily M member 4; plus strand). Cytogenetic location: 19q13.33.
Variant type: single nucleotide variant.
Coding change: c.337C>T on transcript NM_017636.4 (MANE Select); coding-DNA position 337, C replaced by T.
Protein change: p.Arg113Cys; replaces arginine 113 with cysteine.
Molecular consequence: missense variant. On other transcripts: intron variant (4).
Genome position (GRCh38, 1-based): chr19:49,167,986, C>T. VCF-style: chr19-49167986-C-T. GRCh37 (hg19) VCF-style: chr19-49671243-C-T.
Other names: c.337C>T, p.Arg113Cys (NM_001195227.2); c.-1105-274C>T (NM_001321282.2); c.268-567C>T (NM_001321281.2); c.-74-274C>T (NM_001321283.2); c.-237-567C>T (NM_001321285.2); short protein forms R113C.
Identifiers: ClinVar variation 2505325 (VCV002505325.5), dbSNP rs760925558, ClinGen allele CA9568785.